The following is an entry in ClinVar:

NM_015559.3(SETBP1):c.2704C>T (p.Pro902Ser)

Gene: SETBP1 (SET binding protein 1; plus strand). Cytogenetic location: 18q12.3.
Variant type: single nucleotide variant.
Coding change: c.2704C>T on transcript NM_015559.3 (MANE Select); coding-DNA position 2704, C replaced by T.
Protein change: p.Pro902Ser; replaces proline 902 with serine.
Molecular consequence: missense variant.
Genome position (GRCh38, 1-based): chr18:44,952,044, C>T. VCF-style: chr18-44952044-C-T. GRCh37 (hg19) VCF-style: chr18-42532009-C-T.
Other names: c.2704C>T, p.Pro902Ser (NM_001379141.1, NM_001379142.1, NM_001410862.1); short protein forms P902S.
Identifiers: ClinVar variation 2503237 (VCV002503237.4), dbSNP rs2511472806, ClinGen allele CA402322036.
Genomic context (GRCh38, chr18:44,952,044, plus strand): 5'-GCGGAGAAGAGCTCAGAATCCCGAAGGAGGTACTCTTTTGATTTCTGCTCCCTGGACAAC[C>T]CGGAGGCCATTCCGTCCGACACCAGCACAAAGAACCGGCATGGCCACCGGCAAAAGCATC-3'
Protein context (NP_056374.2, residues 892-912): YSFDFCSLDN[Pro902Ser]EAIPSDTSTK

ClinVar aggregate classification (germline): Uncertain significance. Review status: criteria provided, multiple submitters, no conflicts (2 of 4 stars). 2 submissions from 2 submitters: Uncertain significance (2). Last evaluated 2023-02-07.

Submissions (2):

Labcorp Genetics (formerly Invitae), Labcorp
Classification: Uncertain significance. Last evaluated: 2023-02-07. Review status: criteria provided, single submitter. Criteria: Invitae Variant Classification Sherloc (09022015). Collection method: clinical testing. Allele origin: germline.
Comment: This variant is not present in population databases (gnomAD no frequency). This variant has not been reported in the literature in individuals affected with SETBP1-related conditions. Advanced modeling of protein sequence and biophysical properties (such as structural, functional, and spatial information, amino acid conservation, physicochemical variation, residue mobility, and thermodynamic stability) performed at Invitae indicates that this missense variant is not expected to disrupt SETBP1 protein function. In summary, the available evidence is currently insufficient to determine the role of this variant in disease. Therefore, it has been classified as a Variant of Uncertain Significance. This sequence change replaces proline, which is neutral and non-polar, with serine, which is neutral and polar, at codon 902 of the SETBP1 protein (p.Pro902Ser).

GeneDx
Classification: Uncertain significance. Last evaluated: 2022-11-28. Review status: criteria provided, single submitter. Criteria: GeneDx Variant Classification Process June 2021. Collection method: clinical testing. Allele origin: germline. Affected: yes.
Comment: Not observed at significant frequency in large population cohorts (gnomAD); In silico analysis supports that this missense variant has a deleterious effect on protein structure/function; Has not been previously published as pathogenic or benign to our knowledge